The following is an entry in ClinVar:

ClinVar aggregate classification (germline): Uncertain significance (1 of 4 stars; one submission).

gnomAD v4.1: 1 of 1,614,204 alleles (0.000062%); highest among the groups gnomAD compares: Non-Finnish European, 0.000085%; no homozygotes.

Submission:

GeneDx
Classification: Uncertain significance. Last evaluated: 2026-01-24. Review status: criteria provided, single submitter. Criteria: GeneDx Variant Classification Process June 2021. Collection method: clinical testing. Allele origin: germline.
Comment: Not observed at significant frequency in large population cohorts (gnomAD); In silico analysis supports that this missense variant has a deleterious effect on protein structure/function; Has not been previously published as pathogenic or benign to our knowledge

NM_001394062.1(MACF1):c.19009A>G (p.Met6337Val)

Gene: MACF1 (microtubule actin crosslinking factor 1; plus strand). Cytogenetic location: 1p34.3.
Variant type: single nucleotide variant.
Coding change: c.19009A>G on transcript NM_001394062.1 (MANE Select); coding-DNA position 19009, A replaced by G.
Protein change: p.Met6337Val; replaces methionine 6337 with valine.
Molecular consequence: missense variant.
Genome position (GRCh38, 1-based): chr1:39,442,472, A>G. VCF-style: chr1-39442472-A-G. GRCh37 (hg19) VCF-style: chr1-39908144-A-G.
Other names: c.7087A>G, p.Met2363Val (NM_001397473.1); c.12832A>G, p.Met4278Val (NM_012090.5); short protein forms M2363V, M4278V, M6337V.
Identifiers: ClinVar variation 4975422 (VCV004975422.1).
Genomic context (GRCh38, chr1:39,442,472, plus strand): 5'-CACAAACTAGAAGGGGCTCTGTTGGCCCTTGGTCAGTTCCAGCATGCCTTAGAGGAACTA[A>G]TGAGTTGGCTGACTCATACCGAAGAGTTGTTAGATGCTCAGAGACCAATAAGTGGAGACC-3'
Protein context (NP_001380991.1, residues 6327-6347): GQFQHALEEL[Met6337Val]SWLTHTEELL